The following is an entry in ClinVar:

ClinVar aggregate classification (germline): Likely pathogenic (1 of 4 stars; one submission).

Conditions:
Hereditary xanthinuria type 1 (XAN1). Identifiers: Orphanet 3467, Orphanet 93601, MedGen C0268118, MONDO:0010209, OMIM 278300.

Allele frequency attached by ClinVar (database versions not stated): gnomAD exomes below 0.00001; TOPMed below 0.00001; gnomAD 0.00001.
gnomAD v4.1: 2 of 1,614,030 alleles (0.00012%); highest among the groups gnomAD compares: Non-Finnish European, 0.00017%; no homozygotes.

Submission:

Laboratory for Molecular Medicine, Mass General Brigham Personalized Medicine
Classification: Likely pathogenic for Hereditary xanthinuria type 1. Last evaluated: 2017-07-27. Review status: criteria provided, single submitter. Criteria: LMM Criteria. Collection method: clinical testing. Allele origin: germline. Inheritance: Autosomal recessive inheritance. Observed: 1 variant allele.
Comment: The p.Ser1147X (NM_000379.3 c.3440C>G) variant in XDH has not been previously re ported in the literature and was absent from large population studies. This nons ense variant leads to a premature termination codon at position 1147, which is p redicted to lead to a truncated or absent protein. Biallelic loss of function of the XDH gene has been associated with hereditary xanthinuria type I. In summary , although additional studies are required to fully establish a null effect on t he protein, the p.Ser1147X variant in the XDH gene is likely pathogenic for here ditary xanthinuria type I in an autosomal recessive manner based on its predicte d impact on the protein.

NM_000379.4(XDH):c.3440C>G (p.Ser1147Ter)

Gene: XDH (xanthine dehydrogenase; minus strand). Cytogenetic location: 2p23.1.
Variant type: single nucleotide variant.
Coding change: c.3440C>G on transcript NM_000379.4 (MANE Select); coding-DNA position 3440, C replaced by G.
Protein change: p.Ser1147Ter; replaces serine 1147 with a stop codon.
Molecular consequence: nonsense.
Genome position (GRCh38, 1-based): chr2:31,342,262, G>C on the plus strand (C>G on the coding strand, the complement: XDH is on the minus strand). VCF-style: chr2-31342262-G-C. GRCh37 (hg19) VCF-style: chr2-31565128-G-C.
Other names: short protein forms S1147*.
Identifiers: ClinVar variation 505904 (VCV000505904.5), dbSNP rs1553411468, ClinGen allele CA346496113.